The following is an entry in ClinVar:

NM_001163809.2(WDR81):c.5395C>T (p.Arg1799Cys)

Gene: WDR81 (WD repeat domain 81; plus strand). Cytogenetic location: 17p13.3.
Variant type: single nucleotide variant.
Coding change: c.5395C>T on transcript NM_001163809.2 (MANE Select); coding-DNA position 5395, C replaced by T.
Protein change: p.Arg1799Cys; replaces arginine 1799 with cysteine.
Molecular consequence: missense variant.
Genome position (GRCh38, 1-based): chr17:1,736,108, C>T. VCF-style: chr17-1736108-C-T. GRCh37 (hg19) VCF-style: chr17-1639402-C-T.
Other names: c.1786C>T, p.Arg596Cys (NM_001163673.2); c.1714C>T, p.Arg572Cys (NM_001163811.2); c.2242C>T, p.Arg748Cys (NM_152348.4); short protein forms R1799C, R572C, R596C, R748C.
Identifiers: ClinVar variation 3372181 (VCV003372181.1).
Genomic context (GRCh38, chr17:1,736,108, plus strand): 5'-CGACTGGGCGGTGGGCTGAACCCTGGGCTTGTCCGTGCCCTGGCCATCAGCCCCAGTGGC[C>T]GTAGTGTCGTGGCCGGCTTCTCCTCAGGCTTCATGGTGCTCCTGGACACCCGCACAGGCC-3'
Protein context (NP_001157281.1, residues 1789-1809): VRALAISPSG[Arg1799Cys]SVVAGFSSGF

ClinVar aggregate classification (germline): Uncertain significance (1 of 4 stars; one submission).

Submission:

GeneDx
Classification: Uncertain significance. Last evaluated: 2024-04-13. Review status: criteria provided, single submitter. Criteria: GeneDx Variant Classification Process June 2021. Collection method: clinical testing. Allele origin: germline. Affected: yes.
Comment: Not observed at significant frequency in large population cohorts (gnomAD); In silico analysis supports that this missense variant has a deleterious effect on protein structure/function; Has not been previously published as pathogenic or benign to our knowledge